The following is an entry in ClinVar:

NM_033124.5(DRC2):c.844C>T (p.His282Tyr)

Gene: DRC2 (dynein regulatory complex subunit 2; plus strand). Cytogenetic location: 12q13.12.
Variant type: single nucleotide variant.
Coding change: c.844C>T on transcript NM_033124.5 (MANE Select); coding-DNA position 844, C replaced by T.
Protein change: p.His282Tyr; replaces histidine 282 with tyrosine.
Molecular consequence: missense variant.
Genome position (GRCh38, 1-based): chr12:48,918,721, C>T. VCF-style: chr12-48918721-C-T. GRCh37 (hg19) VCF-style: chr12-49312504-C-T.
Other names: c.415C>T, p.His139Tyr (NM_001286957.2); short protein forms H139Y, H282Y.
Identifiers: ClinVar variation 1036704 (VCV001036704.8), dbSNP rs1488626886, ClinGen allele CA384630885.

ClinVar aggregate classification (germline): Uncertain significance (1 of 4 stars; one submission).

Conditions:
Primary ciliary dyskinesia 27. Also called: CILIARY DYSKINESIA, PRIMARY, 27, WITHOUT SITUS INVERSUS. Identifiers: Orphanet 244, MedGen C3809701, MONDO:0014215, OMIM 615504.

Allele frequency attached by ClinVar (database versions not stated): TOPMed below 0.00001; gnomAD exomes 0.00004.
gnomAD v4.1: 58 of 1,613,982 alleles (0.0036%); highest among the groups gnomAD compares: Non-Finnish European, 0.0048%; no homozygotes.

Submission:

Labcorp Genetics (formerly Invitae), Labcorp
Classification: Uncertain significance for Primary ciliary dyskinesia 27. Last evaluated: 2022-06-13. Review status: criteria provided, single submitter. Criteria: Invitae Variant Classification Sherloc (09022015). Collection method: clinical testing. Allele origin: germline.
Comment: This variant has not been reported in the literature in individuals affected with CCDC65-related conditions. ClinVar contains an entry for this variant (Variation ID: 1036704). Algorithms developed to predict the effect of missense changes on protein structure and function are either unavailable or do not agree on the potential impact of this missense change (SIFT: "Tolerated"; PolyPhen-2: "Possibly Damaging"; Align-GVGD: "Class C0"). In summary, the available evidence is currently insufficient to determine the role of this variant in disease. Therefore, it has been classified as a Variant of Uncertain Significance. This variant is not present in population databases (gnomAD no frequency). This sequence change replaces histidine, which is basic and polar, with tyrosine, which is neutral and polar, at codon 282 of the CCDC65 protein (p.His282Tyr).